The following is an entry in ClinVar:

ClinVar aggregate classification (germline): Uncertain significance. Review status: criteria provided, multiple submitters, no conflicts (2 of 4 stars). 3 submissions from 3 submitters: Uncertain significance (3). Last evaluated 2026-01-21.

Conditions:
Hereditary cancer-predisposing syndrome. Also called: Hereditary neoplastic syndrome; Neoplastic Syndromes, Hereditary; Tumor predisposition; Hereditary Cancer Syndrome. Identifiers: Orphanet 140162, MedGen C0027672, MeSH D009386, MONDO:0015356.
Neuroblastoma, susceptibility to, 3. Also called: ALK-Related Neuroblastic Tumor Susceptibility. Identifiers: Orphanet 635, MedGen C2751681, MONDO:0013083, OMIM 613014.

Submissions (3):

Labcorp Genetics (formerly Invitae), Labcorp
Classification: Uncertain significance for Neuroblastoma, susceptibility to, 3. Last evaluated: 2026-01-21. Review status: criteria provided, single submitter. Criteria: Invitae Variant Classification Sherloc (09022015). Collection method: clinical testing. Allele origin: germline.
Comment: This variant, c.4560_4577dup, results in the insertion of 6 amino acid(s) of the ALK protein (p.Lys1525_Glu1526insAspProIleAlaLysLys), but otherwise preserves the integrity of the reading frame. This variant is present in population databases (rs780241185, gnomAD 0.0009%). This variant has not been reported in the literature in individuals affected with ALK-related conditions. ClinVar contains an entry for this variant (Variation ID: 1045769). Experimental studies and prediction algorithms are not available or were not evaluated, and the functional significance of this variant is currently unknown. In summary, the available evidence is currently insufficient to determine the role of this variant in disease. Therefore, it has been classified as a Variant of Uncertain Significance.

Ambry Genetics
Classification: Uncertain significance for Hereditary cancer-predisposing syndrome. Last evaluated: 2025-04-11. Review status: criteria provided, single submitter. Criteria: Ambry Variant Classification Scheme 2023. Collection method: clinical testing. Allele origin: germline.
Comment: The c.4560_4577dup18 variant (also known as p.K1525_E1526insDPIAKK), located in coding exon 29 of the ALK gene, results from an in-frame duplication of 18 nucleotides at nucleotide positions 4560 to 4577. This results in the duplication of 6 extra residues (DPIAKK) between codons 1525 and 1526. This amino acid region is generally not well conserved in available vertebrate species. In addition, this alteration is predicted to be deleterious by in silico analysis (Choi Y et al. PLoS ONE. 2012; 7(10):e46688). Based on the available evidence, the clinical significance of this variant remains unclear.

Baylor Genetics
Classification: Uncertain significance for Neuroblastoma, susceptibility to, 3. Last evaluated: 2023-09-21. Review status: criteria provided, single submitter. Criteria: ACMG Guidelines, 2015. Collection method: clinical testing. Allele origin: unknown.

NM_004304.5(ALK):c.4560_4577dup (p.Lys1525_Glu1526insAspProIleAlaLysLys)

Gene: ALK (ALK receptor tyrosine kinase; minus strand). Cytogenetic location: 2p23.2.
Variant type: Duplication.
Coding change: c.4560_4577dup on transcript NM_004304.5 (MANE Select); coding-DNA positions 4560 to 4577, 18 bases duplicated (TCCTATAGCAAAGAAGGA).
Protein change: p.Lys1525_Glu1526insAspProIleAlaLysLys.
Molecular consequence: inframe insertion.
Genome position (GRCh38, 1-based): chr2:29,193,510-29,193,527, TCCTTCTTTGCTATAGGA duplicated on the plus strand (TCCTATAGCAAAGAAGGA on the coding strand, the reverse complement: ALK is on the minus strand); duplicating any 18 consecutive bases within chr2:29,193,510-29,193,528 gives the same sequence; the c. name uses the placement nearest the transcript's 3' end. VCF-style (leftmost placement, unchanged base first): chr2-29193509-C-CTCCTTCTTTGCTATAGGA. GRCh37 (hg19) VCF-style: chr2-29416375-C-CTCCTTCTTTGCTATAGGA.
Other names: c.1356_1373dup, p.Lys457_Glu458insAspProIleAlaLysLys (NM_001353765.2); c.4560_4577dupTCCTATAGCAAAGAAGGA (NM_004304.4).
Identifiers: ClinVar variation 1045769 (VCV001045769.8), dbSNP rs780241185, ClinGen allele CA1593540.